The following is an entry in ClinVar:

NM_004415.4(DSP):c.6085T>C (p.Tyr2029His)

Gene: DSP (desmoplakin; plus strand). Cytogenetic location: 6p24.3.
Variant type: single nucleotide variant.
Coding change: c.6085T>C on transcript NM_004415.4 (MANE Select); coding-DNA position 6085, T replaced by C.
Protein change: p.Tyr2029His; replaces tyrosine 2029 with histidine.
Molecular consequence: missense variant.
Genome position (GRCh38, 1-based): chr6:7,583,347, T>C. VCF-style: chr6-7583347-T-C. GRCh37 (hg19) VCF-style: chr6-7583580-T-C.
Other names: c.4288T>C, p.Tyr1430His (NM_001008844.3); c.4756T>C, p.Tyr1586His (NM_001319034.2); short protein forms Y2029H, Y1586H, Y1430H.
Identifiers: ClinVar variation 918840 (VCV000918840.6), dbSNP rs765794044, ClinGen allele CA362690047.
Genomic context (GRCh38, chr6:7,583,347, plus strand): 5'-CAGCCATTCCTTCGGGGTGCAGGATCTATCGCTGGAGCATCTGCTTCTCCTAAGGAAAAA[T>C]ACTCTTTGGTAGAGGCCAAGAGAAAGAAATTAATCAGCCCAGAATCCACAGTCATGCTTC-3'
Protein context (NP_004406.2, residues 2019-2039): AGASASPKEK[Tyr2029His]SLVEAKRKKL

ClinVar aggregate classification (germline): Uncertain significance. Review status: criteria provided, multiple submitters, no conflicts (2 of 4 stars). 2 submissions from 2 submitters: Uncertain significance (2). Last evaluated 2025-09-08.

Conditions:
Arrhythmogenic cardiomyopathy with wooly hair and keratoderma. Also called: PALMOPLANTAR KERATODERMA WITH LEFT VENTRICULAR CARDIOMYOPATHY AND WOOLLY HAIR; Carvajal syndrome; Dilated cardiomyopathy with woolly hair and keratoderma; Arrhythmogenic cardiomyopathy with woolly hair and keratoderma. Identifiers: Orphanet 65282, MedGen C1854063, MONDO:0011581, OMIM 605676.
Arrhythmogenic right ventricular dysplasia 8 (ARVD8). Also called: Arrhythmogenic Right Ventricular Dysplasia/Cardiomyopathy 8; ARRHYTHMOGENIC RIGHT VENTRICULAR DYSPLASIA, FAMILIAL, 8; ARRHYTHMOGENIC RIGHT VENTRICULAR CARDIOMYOPATHY 8. Identifiers: MedGen C1843896, MONDO:0011831, OMIM 607450.
Cardiomyopathy (CMYO). Also called: Cardiomyopathies. Identifiers: Orphanet 167848, MedGen C0878544, MONDO:0004994, HP:0001638. Inheritance: Various modes of inheritance.

Submissions (2):

Labcorp Genetics (formerly Invitae), Labcorp
Classification: Uncertain significance for Arrhythmogenic cardiomyopathy with wooly hair and keratoderma; Arrhythmogenic right ventricular dysplasia 8. Last evaluated: 2025-09-08. Review status: criteria provided, single submitter. Criteria: Invitae Variant Classification Sherloc (09022015). Collection method: clinical testing. Allele origin: germline.
Comment: This sequence change replaces tyrosine, which is neutral and polar, with histidine, which is basic and polar, at codon 2029 of the DSP protein (p.Tyr2029His). This variant is not present in population databases (gnomAD no frequency). This variant has not been reported in the literature in individuals affected with DSP-related conditions. ClinVar contains an entry for this variant (Variation ID: 918840). An algorithm developed to predict the effect of missense changes on protein structure and function (PolyPhen-2) suggests that this variant is likely to be disruptive. In summary, the available evidence is currently insufficient to determine the role of this variant in disease. Therefore, it has been classified as a Variant of Uncertain Significance.

Color Diagnostics, LLC DBA Color Health
Classification: Uncertain significance for Cardiomyopathy. Last evaluated: 2023-12-05. Review status: criteria provided, single submitter. Criteria: ACMG Guidelines, 2015. Collection method: clinical testing. Allele origin: germline.
Comment: Variant of Uncertain Significance due to insufficient evidence: This missense variant replaces tyrosine with histidine at codon 2029 of the DSP protein. Computational prediction tools and conservation analyses are inconclusive regarding the impact of this variant on the protein function. Computational splicing tools suggest that this variant may not impact RNA splicing. To our knowledge, functional assays have not been performed for this variant nor has this variant been reported in individuals affected with cardiovascular disorders in the literature. This variant has not been identified in the general population by the Genome Aggregation Database (gnomAD). Available evidence is insufficient to determine the role of this variant in disease conclusively.